The following is an entry in ClinVar:

NM_006662.3(SRCAP):c.5258C>T (p.Pro1753Leu)

Gene: SRCAP (Snf2 related CREBBP activator protein; plus strand). Cytogenetic location: 16p11.2.
Variant type: single nucleotide variant.
Coding change: c.5258C>T on transcript NM_006662.3 (MANE Select); coding-DNA position 5258, C replaced by T.
Protein change: p.Pro1753Leu; replaces proline 1753 with leucine.
Molecular consequence: missense variant.
Genome position (GRCh38, 1-based): chr16:30,724,682, C>T. VCF-style: chr16-30724682-C-T. GRCh37 (hg19) VCF-style: chr16-30736003-C-T.
Other names: short protein forms P1753L.
Identifiers: ClinVar variation 2800266 (VCV002800266.3), dbSNP rs2151294517, ClinGen allele CA395617953.
Genomic context (GRCh38, chr16:30,724,682, plus strand): 5'-CTTTGGCACCAGGACCACCACTGGGTCCAACTCAGACGCTGTCTCTGGCTCCAGCACCCC[C>T]TCTGGCTCCAGCTTCTCCAGTGGGCCCAGCCCCAGCTCACACGCTGACTTTGGCTCCAGC-3'
Protein context (NP_006653.2, residues 1743-1763): TQTLSLAPAP[Pro1753Leu]LAPASPVGPA

ClinVar aggregate classification (germline): Uncertain significance (1 of 4 stars; one submission).

gnomAD v4.1: 1 of 1,614,196 alleles (0.000062%); no homozygotes.

Submission:

Labcorp Genetics (formerly Invitae), Labcorp
Classification: Uncertain significance. Last evaluated: 2023-09-08. Review status: criteria provided, single submitter. Criteria: Invitae Variant Classification Sherloc (09022015). Collection method: clinical testing. Allele origin: germline.
Comment: This variant has not been reported in the literature in individuals affected with SRCAP-related conditions. This sequence change replaces proline, which is neutral and non-polar, with leucine, which is neutral and non-polar, at codon 1753 of the SRCAP protein (p.Pro1753Leu). This variant is not present in population databases (gnomAD no frequency). Advanced modeling of protein sequence and biophysical properties (such as structural, functional, and spatial information, amino acid conservation, physicochemical variation, residue mobility, and thermodynamic stability) performed at Invitae indicates that this missense variant is not expected to disrupt SRCAP protein function. In summary, the available evidence is currently insufficient to determine the role of this variant in disease. Therefore, it has been classified as a Variant of Uncertain Significance.